The following is an entry in ClinVar:

ClinVar aggregate classification (germline): Uncertain significance (1 of 4 stars; one submission).

Conditions:
Osteogenesis imperfecta type I (OI1). Also called: OI, TYPE I; OSTEOGENESIS IMPERFECTA TARDA; OSTEOGENESIS IMPERFECTA WITH BLUE SCLERAE; Osteogenesis imperfecta type 1; Classic Non-deforming Osteogenesis Imperfecta with Blue Sclerae; Lobstein's Disease. Identifiers: Orphanet 216796, Orphanet 666, MedGen C0023931, MONDO:0008146, OMIM 166200. Disease mechanism: loss of function.
Ehlers-Danlos syndrome, classic type, 1 (EDSCL1). Also called: EHLERS-DANLOS SYNDROME, GRAVIS TYPE; EHLERS-DANLOS SYNDROME, SEVERE CLASSIC TYPE; EDS I; Ehlers-Danlos Syndrome, Classic Type, COL5A1-Related; Ehlers-Danlos syndrome, type 1. Identifiers: MedGen C0268335, MONDO:0019567, OMIM 130000.

Allele frequency attached by ClinVar (database versions not stated): gnomAD exomes 0.00002 and below 0.00001; gnomAD 0.00001; TOPMed 0.00001; ExAC 0.00001.
gnomAD v4.1: 28 of 1,613,650 alleles (0.0017%); highest among the groups gnomAD compares: East Asian, 0.0022%; no homozygotes.

Submission:

Labcorp Genetics (formerly Invitae), Labcorp
Classification: Uncertain significance for Osteogenesis imperfecta type I; Ehlers-Danlos syndrome, classic type, 1. Last evaluated: 2023-06-05. Review status: criteria provided, single submitter. Criteria: Invitae Variant Classification Sherloc (09022015). Collection method: clinical testing. Allele origin: germline.
Comment: In summary, the available evidence is currently insufficient to determine the role of this variant in disease. Therefore, it has been classified as a Variant of Uncertain Significance. Advanced modeling of protein sequence and biophysical properties (such as structural, functional, and spatial information, amino acid conservation, physicochemical variation, residue mobility, and thermodynamic stability) performed at Invitae indicates that this missense variant is not expected to disrupt COL1A2 protein function. ClinVar contains an entry for this variant (Variation ID: 1003125). This missense change has been observed in individual(s) with osteoporosis (PMID: 30283887). The frequency data for this variant in the population databases is considered unreliable, as metrics indicate poor data quality at this position in the gnomAD database. This sequence change replaces proline, which is neutral and non-polar, with leucine, which is neutral and non-polar, at codon 471 of the COL1A2 protein (p.Pro471Leu).

Literature cited by the submitters: PubMed 30283887.

NM_000089.4(COL1A2):c.1412C>T (p.Pro471Leu)

Gene: COL1A2 (collagen type I alpha 2 chain; plus strand). Cytogenetic location: 7q21.3.
Variant type: single nucleotide variant.
Coding change: c.1412C>T on transcript NM_000089.4 (MANE Select); coding-DNA position 1412, C replaced by T.
Protein change: p.Pro471Leu; replaces proline 471 with leucine.
Molecular consequence: missense variant.
Genome position (GRCh38, 1-based): chr7:94,412,591, C>T. VCF-style: chr7-94412591-C-T. GRCh37 (hg19) VCF-style: chr7-94041903-C-T.
Other names: short protein forms P471L.
Identifiers: ClinVar variation 1003125 (VCV001003125.10), dbSNP rs760503549, ClinGen allele CA4347051.